The following is an entry in ClinVar:

ClinVar aggregate classification (germline): Uncertain significance. Review status: criteria provided, multiple submitters, no conflicts (2 of 4 stars). 2 submissions from 2 submitters: Uncertain significance (2). Last evaluated 2025-04-25.

Conditions:
Inborn genetic diseases. Identifiers: MedGen C0950123, MeSH D030342.

Allele frequency attached by ClinVar (database versions not stated): TOPMed 0.00005.
gnomAD v4.1: 21 of 1,563,720 alleles (0.0013%); highest among the groups gnomAD compares: South Asian, 0.0048%; no homozygotes.

Submissions (2):

Ambry Genetics
Classification: Uncertain significance for Inborn genetic diseases. Last evaluated: 2025-04-25. Review status: criteria provided, single submitter. Criteria: Ambry Variant Classification Scheme 2023. Collection method: clinical testing. Allele origin: germline.

Labcorp Genetics (formerly Invitae), Labcorp
Classification: Uncertain significance. Last evaluated: 2023-10-10. Review status: criteria provided, single submitter. Criteria: Invitae Variant Classification Sherloc (09022015). Collection method: clinical testing. Allele origin: germline.
Comment: This sequence change replaces alanine, which is neutral and non-polar, with threonine, which is neutral and polar, at codon 349 of the ZMIZ1 protein (p.Ala349Thr). This variant is present in population databases (no rsID available, gnomAD 0.007%). This variant has not been reported in the literature in individuals affected with ZMIZ1-related conditions. Advanced modeling of protein sequence and biophysical properties (such as structural, functional, and spatial information, amino acid conservation, physicochemical variation, residue mobility, and thermodynamic stability) performed at Invitae indicates that this missense variant is not expected to disrupt ZMIZ1 protein function. In summary, the available evidence is currently insufficient to determine the role of this variant in disease. Therefore, it has been classified as a Variant of Uncertain Significance.

NM_020338.4(ZMIZ1):c.1045G>A (p.Ala349Thr)

Gene: ZMIZ1 (zinc finger MIZ-type containing 1; plus strand). Cytogenetic location: 10q22.3.
Variant type: single nucleotide variant.
Coding change: c.1045G>A on transcript NM_020338.4 (MANE Select); coding-DNA position 1045, G replaced by A.
Protein change: p.Ala349Thr; replaces alanine 349 with threonine.
Molecular consequence: missense variant.
Genome position (GRCh38, 1-based): chr10:79,293,468, G>A. VCF-style: chr10-79293468-G-A. GRCh37 (hg19) VCF-style: chr10-81053225-G-A.
Other names: c.1045G>A (NM_020338.3); short protein forms A349T.
Identifiers: ClinVar variation 3015122 (VCV003015122.4), dbSNP rs1048887823, ClinGen allele CA210210088.